The following is an entry in ClinVar:

NM_014159.7(SETD2):c.5695G>A (p.Glu1899Lys)

Gene: SETD2 (SET domain containing 2, histone lysine methyltransferase; minus strand). Cytogenetic location: 3p21.31.
Variant type: single nucleotide variant.
Coding change: c.5695G>A on transcript NM_014159.7 (MANE Select); coding-DNA position 5695, G replaced by A.
Protein change: p.Glu1899Lys; replaces glutamic acid 1899 with lysine.
Molecular consequence: missense variant. On other transcripts: non-coding transcript variant (1).
Genome position (GRCh38, 1-based): chr3:47,084,085, C>T on the plus strand (G>A on the coding strand, the complement: SETD2 is on the minus strand). VCF-style: chr3-47084085-C-T. GRCh37 (hg19) VCF-style: chr3-47125575-C-T.
Other names: c.5563G>A, p.Glu1855Lys (NM_001349370.3); short protein forms E1855K, E1899K.
Identifiers: ClinVar variation 3365898 (VCV003365898.1).

ClinVar aggregate classification (germline): Uncertain significance (1 of 4 stars; one submission).

Submission:

GeneDx
Classification: Uncertain significance. Last evaluated: 2023-12-16. Review status: criteria provided, single submitter. Criteria: GeneDx Variant Classification Process June 2021. Collection method: clinical testing. Allele origin: germline. Affected: yes.
Comment: Has not been previously published as pathogenic or benign to our knowledge; Not observed at significant frequency in large population cohorts (gnomAD); In silico analysis supports that this missense variant does not alter protein structure/function